The following is an entry in ClinVar:

NM_004999.4(MYO6):c.2459T>C (p.Met820Thr)

Gene: MYO6 (myosin VI; plus strand). Cytogenetic location: 6q14.1.
Variant type: single nucleotide variant.
Coding change: c.2459T>C on transcript NM_004999.4 (MANE Select); coding-DNA position 2459, T replaced by C.
Protein change: p.Met820Thr; replaces methionine 820 with threonine.
Molecular consequence: missense variant. On other transcripts: non-coding transcript variant (1).
Genome position (GRCh38, 1-based): chr6:75,886,046, T>C. VCF-style: chr6-75886046-T-C. GRCh37 (hg19) VCF-style: chr6-76595763-T-C.
Other names: c.2459T>C, p.Met820Thr (NM_001300899.2, NM_001368136.1, NM_001368137.1 and 2 more transcripts); c.2444T>C, p.Met815Thr (NM_001368138.1); short protein forms M820T, M815T.
Identifiers: ClinVar variation 5008288 (VCV005008288.1).

ClinVar aggregate classification (germline): Uncertain significance (1 of 4 stars; one submission).

Submission:

GeneDx
Classification: Uncertain significance. Last evaluated: 2026-03-03. Review status: criteria provided, single submitter. Criteria: GeneDx Variant Classification Process June 2021. Collection method: clinical testing. Allele origin: germline.
Comment: Not observed at significant frequency in large population cohorts (gnomAD); In silico analysis suggests that this missense variant does not alter protein structure/function; Has not been previously published as pathogenic or benign to our knowledge